The following is an entry in ClinVar:

NM_005228.5(EGFR):c.2401T>C (p.Tyr801His)

Genes: EGFR (epidermal growth factor receptor; plus strand), EGFR-AS1 (EGFR antisense RNA 1; minus strand). Cytogenetic location: 7p11.2.
Variant type: single nucleotide variant.
Coding change: c.2401T>C on transcript NM_005228.5 (MANE Select); coding-DNA position 2401, T replaced by C.
Protein change: p.Tyr801His; replaces tyrosine 801 with histidine.
Molecular consequence: missense variant. On other transcripts: non-coding transcript variant (1).
Genome position (GRCh38, 1-based): chr7:55,181,410, T>C. VCF-style: chr7-55181410-T-C. GRCh37 (hg19) VCF-style: chr7-55249103-T-C.
Other names: c.2266T>C, p.Tyr756His (NM_001346897.2, NM_001346899.2); c.2401T>C, p.Tyr801His (NM_001346898.2); c.2242T>C, p.Tyr748His (NM_001346900.2); c.1600T>C, p.Tyr534His (NM_001346941.2); short protein forms Y801H, Y748H, Y534H, Y756H.
Identifiers: ClinVar variation 2133820 (VCV002133820.4), dbSNP rs757642107, ClinGen allele CA4266065.

ClinVar aggregate classification (germline): Uncertain significance (1 of 4 stars; one submission).

Conditions:
EGFR-related lung cancer (EGFR). Identifiers: MedGen CN130014.

Allele frequency attached by ClinVar (database versions not stated): gnomAD exomes 0.00001; ExAC 0.00002.
gnomAD v4.1: 3 of 1,614,216 alleles (0.00019%); highest among the groups gnomAD compares: South Asian, 0.0033%; no homozygotes.

Submission:

Labcorp Genetics (formerly Invitae), Labcorp
Classification: Uncertain significance for EGFR-related lung cancer. Last evaluated: 2024-01-18. Review status: criteria provided, single submitter. Criteria: Invitae Variant Classification Sherloc (09022015). Collection method: clinical testing. Allele origin: germline.
Comment: This sequence change replaces tyrosine, which is neutral and polar, with histidine, which is basic and polar, at codon 801 of the EGFR protein (p.Tyr801His). This variant is present in population databases (rs757642107, gnomAD 0.006%). This variant has not been reported in the literature in individuals affected with EGFR-related conditions. ClinVar contains an entry for this variant (Variation ID: 2133820). An algorithm developed to predict the effect of missense changes on protein structure and function (PolyPhen-2) suggests that this variant is likely to be disruptive. In summary, the available evidence is currently insufficient to determine the role of this variant in disease. Therefore, it has been classified as a Variant of Uncertain Significance.